The following is an entry in ClinVar:

ClinVar aggregate classification (germline): Pathogenic. Review status: reviewed by expert panel (3 of 4 stars). 3 submissions from 3 submitters: Pathogenic (1). 2 of the submissions do not count toward it. Last evaluated 2017-12-15.

Conditions:
Hereditary breast ovarian cancer syndrome. Also called: Hereditary breast and ovarian cancer syndrome (HBOC); BRCA1- and BRCA2-Associated Hereditary Breast and Ovarian Cancer; Hereditary breast and/or ovarian cancer syndrome; Hereditary breast and ovarian cancer syndrome; Hereditary breast and ovarian cancer; Breast and ovarian cancer. Identifiers: Orphanet 145, MedGen C0677776, MeSH D061325, MONDO:0003582. Disease mechanism: loss of function.
Breast-ovarian cancer, familial, susceptibility to, 1 (BROVCA1). Also called: BRCA1 Hereditary Breast and Ovarian Cancer; OVARIAN CANCER, SUSCEPTIBILITY TO. Identifiers: Orphanet 145, MedGen C2676676, MONDO:0011450, OMIM 604370. Disease mechanism: loss of function.

Submissions (3):

Evidence-based Network for the Interpretation of Germline Mutant Alleles (ENIGMA)
Classification: Pathogenic for Breast-ovarian cancer, familial, susceptibility to, 1. Last evaluated: 2017-12-15. Review status: reviewed by expert panel. Criteria: ENIGMA BRCA1/2 Classification Criteria (2017-06-29). Collection method: curation. Allele origin: germline. Study: ENIGMA.
Comment: Variant allele predicted to encode a truncated non-functional protein.

Labcorp Genetics (formerly Invitae), Labcorp
Classification: Pathogenic for Hereditary breast ovarian cancer syndrome. Last evaluated: 2021-10-18. Review status: criteria provided, single submitter. Criteria: Invitae Variant Classification Sherloc (09022015). Collection method: clinical testing. Allele origin: germline. Not counted in ClinVar's aggregate classification.
Comment: For these reasons, this variant has been classified as Pathogenic. ClinVar contains an entry for this variant (Variation ID: 433699). This sequence change creates a premature translational stop signal (p.Asn665Thrfs*36) in the BRCA1 gene. It is expected to result in an absent or disrupted protein product. Loss-of-function variants in BRCA1 are known to be pathogenic (PMID: 20104584). This variant is not present in population databases (gnomAD no frequency). This premature translational stop signal has been observed in individual(s) with clinical features of BRCA1-related conditions (PMID: 29852322).

Department of Pathology and Laboratory Medicine, Sinai Health System
Classification: Likely pathogenic. Review status: no assertion criteria provided. Collection method: clinical testing. Allele origin: unknown. Affected: yes. Observed: 1 variant allele. Study: The Canadian Open Genetics Repository (COGR). Not counted in ClinVar's aggregate classification.

Literature cited by the submitters: PubMed 20104584 (cited by Labcorp Genetics (formerly Invitae), Labcorp); PubMed 29852322 (cited by Labcorp Genetics (formerly Invitae), Labcorp).

NM_007294.4(BRCA1):c.1994del (p.Asn665fs)

Gene: BRCA1 (BRCA1 DNA repair associated; minus strand). Cytogenetic location: 17q21.31.
Variant type: Deletion.
Coding change: c.1994del on transcript NM_007294.4 (MANE Select); coding-DNA position 1994, one base deleted (A; older notation c.1994delA).
Protein change: p.Asn665fs; shifts the reading frame from asparagine 665.
Molecular consequence: frameshift variant. On other transcripts: intron variant (137).
Genome position (GRCh38, 1-based): chr17:43,093,537, T deleted on the plus strand (A on the coding strand, the reverse complement: BRCA1 is on the minus strand); the first of 3 consecutive T bases (chr17:43,093,537-43,093,539); deleting any one gives the same sequence. VCF-style (leftmost placement, unchanged base first): chr17-43093536-GT-G. GRCh37 (hg19) VCF-style: chr17-41245553-GT-G.
Other names: c.1994delA (NM_007294.3); c.1994del, p.Asn665fs (NM_001407602.1, NM_001407603.1, NM_001407605.1 and 30 more transcripts); c.1991del, p.Asn664fs (NM_001407610.1, NM_001407611.1, NM_001407612.1 and 22 more transcripts); c.1985del, p.Asn662fs (NM_001407646.1, NM_001407647.1); c.1871del, p.Asn624fs (NM_001407648.1, NM_001407664.1, NM_001407665.1 and 19 more transcripts); c.1868del, p.Asn623fs (NM_001407649.1, NM_001407670.1, NM_001407671.1 and 11 more transcripts); c.1916del, p.Asn639fs (NM_001407653.1, NM_001407654.1, NM_001407655.1 and 4 more transcripts); c.1913del, p.Asn638fs (NM_001407659.1, NM_001407660.1, NM_001407661.1 and 1 more transcripts); and 41 more; short protein forms N618fs, N665fs, N576fs, N595fs, N598fs, N537fs, N553fs, N597fs.
Identifiers: ClinVar variation 433699 (VCV000433699.10), dbSNP rs1555590714, ClinGen allele CA645373192.
Genomic context (GRCh38, chr17:43,093,536, plus strand): 5'-ATTTGGCTTGTTACTCTTCTTGGCTCCAGTTGCAGGTTCTTTACCTTCCATGAGTTGTAG[GT>G]TTCTGCTGTGCCTGACTGGCATTTGGTTGTACTTTTTTTTCTTTATCTCTTCACTGCTAG-3'